The following is an entry in ClinVar:

NM_007353.3(GNA12):c.267G>C (p.Ala89=)

Gene: GNA12 (G protein subunit alpha 12; minus strand). Cytogenetic location: 7p22.2.
Variant type: single nucleotide variant.
Coding change: c.267G>C on transcript NM_007353.3 (MANE Select); coding-DNA position 267, G replaced by C.
Protein change: p.Ala89=; no amino-acid change (alanine 89 retained).
Molecular consequence: synonymous variant.
Genome position (GRCh38, 1-based): chr7:2,843,895, C>G on the plus strand (G>C on the coding strand, the complement: GNA12 is on the minus strand). VCF-style: chr7-2843895-C-G. GRCh37 (hg19) VCF-style: chr7-2883529-C-G.
Other names: c.267G>C, p.Ala89= (NM_001293092.2).
Identifiers: ClinVar variation 2657238 (VCV002657238.24), dbSNP rs1196221691, ClinGen allele CA453628867.

ClinVar aggregate classification (germline): Likely benign (1 of 4 stars; one submission).

Allele frequency attached by ClinVar (database versions not stated): TOPMed 0.00001; gnomAD 0.00002.
gnomAD v4.1: 32 of 1,571,928 alleles (0.002%); highest among the groups gnomAD compares: Middle Eastern, 0.022%; no homozygotes.

Submission:

CeGaT Center for Human Genetics Tuebingen
Classification: Likely benign. Last evaluated: 2022-12-01. Review status: criteria provided, single submitter. Criteria: CeGaT Center For Human Genetics Tuebingen Variant Classification Criteria Version 2. Collection method: clinical testing. Allele origin: germline. Affected: yes. Observed: 1 variant allele.
Comment: GNA12: BP4, BP7